The following is an entry in ClinVar:

ClinVar aggregate classification (germline): Uncertain significance (1 of 4 stars; one submission).

Conditions:
Aortic aneurysm, familial thoracic 7 (AAT7). Also called: AORTIC DISSECTION, FAMILIAL, WITH OR WITHOUT AORTIC ANEURYSM. Identifiers: MedGen C3151077, MONDO:0013418, OMIM 613780.

gnomAD v4.1: 1 of 1,614,046 alleles (0.000062%); highest among the groups gnomAD compares: Non-Finnish European, 0.000085%; no homozygotes.

Submission:

Labcorp Genetics (formerly Invitae), Labcorp
Classification: Uncertain significance for Aortic aneurysm, familial thoracic 7. Last evaluated: 2024-11-08. Review status: criteria provided, single submitter. Criteria: Invitae Variant Classification Sherloc (09022015). Collection method: clinical testing. Allele origin: germline.
Comment: This sequence change replaces isoleucine, which is neutral and non-polar, with phenylalanine, which is neutral and non-polar, at codon 461 of the MYLK protein (p.Ile461Phe). This variant is present in population databases (rs369105428, gnomAD 0.0009%). This variant has not been reported in the literature in individuals affected with MYLK-related conditions. Invitae Evidence Modeling of protein sequence and biophysical properties (such as structural, functional, and spatial information, amino acid conservation, physicochemical variation, residue mobility, and thermodynamic stability) indicates that this missense variant is not expected to disrupt MYLK protein function with a negative predictive value of 95%. In summary, the available evidence is currently insufficient to determine the role of this variant in disease. Therefore, it has been classified as a Variant of Uncertain Significance.

NM_053025.4(MYLK):c.1381A>T (p.Ile461Phe)

Gene: MYLK (myosin light chain kinase; minus strand). Cytogenetic location: 3q21.1.
Variant type: single nucleotide variant.
Coding change: c.1381A>T on transcript NM_053025.4 (MANE Select); coding-DNA position 1381, A replaced by T.
Protein change: p.Ile461Phe; replaces isoleucine 461 with phenylalanine.
Molecular consequence: missense variant. On other transcripts: intron variant (2).
Genome position (GRCh38, 1-based): chr3:123,733,031, T>A on the plus strand (A>T on the coding strand, the complement: MYLK is on the minus strand). VCF-style: chr3-123733031-T-A. GRCh37 (hg19) VCF-style: chr3-123451878-T-A.
Other names: c.853A>T, p.Ile285Phe (NM_001321309.2); c.1381A>T, p.Ile461Phe (NM_053027.4); c.1309+656A>T (NM_053028.4, NM_053026.4); short protein forms I461F, I285F.
Identifiers: ClinVar variation 3688426 (VCV003688426.2).
Genomic context (GRCh38, chr3:123,733,031, plus strand): 5'-CCCTGGTCCGGGCTTTCAGCAGGCAGAGGTAATGGGAGCCAGCATCTTCATAAACCTCAA[T>A]GCTGCCTTCCTGTCTCCTCACGGGGGTGCCTTCCAGGAACCAGGCCACTTCAGGCTTTGG-3'
Protein context (NP_444253.3, residues 451-471): GTPVRRQEGS[Ile461Phe]EVYEDAGSHY